The following is an entry in ClinVar:

ClinVar aggregate classification (germline): Uncertain significance (1 of 4 stars; one submission).

Submission:

GeneDx
Classification: Uncertain significance. Last evaluated: 2024-04-12. Review status: criteria provided, single submitter. Criteria: GeneDx Variant Classification Process June 2021. Collection method: clinical testing. Allele origin: germline. Affected: yes.
Comment: Frameshift variant predicted to result in abnormal protein length as the last 267 amino acids are replaced with 11 different amino acids; Not observed at significant frequency in large population cohorts (gnomAD); Has not been previously published as pathogenic or benign to our knowledge

NM_005157.6(ABL1):c.2586del (p.Gly864fs)

Gene: ABL1 (ABL proto-oncogene 1, non-receptor tyrosine kinase; plus strand). Cytogenetic location: 9q34.12.
Variant type: Deletion.
Coding change: c.2586del on transcript NM_005157.6 (MANE Select); coding-DNA position 2586, one base deleted (A; older notation c.2586delA).
Protein change: p.Gly864fs; shifts the reading frame from glycine 864.
Molecular consequence: frameshift variant.
Genome position (GRCh38, 1-based): chr9:130,884,876, A deleted. VCF-style (leftmost placement, unchanged base first): chr9-130884875-CA-C. GRCh37 (hg19) VCF-style: chr9-133760262-CA-C.
Other names: c.2643del, p.Gly883fs (NM_007313.3); short protein forms G864fs, G883fs.
Identifiers: ClinVar variation 3372470 (VCV003372470.1).